The following is an entry in ClinVar:

NM_002972.4(SBF1):c.4772C>T (p.Pro1591Leu)

Gene: SBF1 (SET binding factor 1; minus strand). Cytogenetic location: 22q13.33.
Variant type: single nucleotide variant.
Coding change: c.4772C>T on transcript NM_002972.4 (MANE Select); coding-DNA position 4772, C replaced by T.
Protein change: p.Pro1591Leu; replaces proline 1591 with leucine.
Molecular consequence: missense variant.
Genome position (GRCh38, 1-based): chr22:50,454,854, G>A on the plus strand (C>T on the coding strand, the complement: SBF1 is on the minus strand). VCF-style: chr22-50454854-G-A. GRCh37 (hg19) VCF-style: chr22-50893283-G-A.
Other names: c.4697C>T, p.Pro1566Leu (NM_001365819.1); c.4775C>T, p.Pro1592Leu (NM_001410794.1); c.4694C>T, p.Pro1565Leu (NM_001410795.1); short protein forms P1565L, P1566L, P1591L, P1592L.
Identifiers: ClinVar variation 4537115 (VCV004537115.1).

ClinVar aggregate classification (germline): Uncertain significance (1 of 4 stars; one submission).

gnomAD v4.1: 2 of 1,614,076 alleles (0.00012%); highest among the groups gnomAD compares: Middle Eastern, 0.016%; no homozygotes.

Submission:

Women's Health and Genetics/Laboratory Corporation of America, LabCorp
Classification: Uncertain significance. Last evaluated: 2025-11-03. Review status: criteria provided, single submitter. Criteria: LabCorp Variant Classification Summary - May 2015. Collection method: clinical testing. Allele origin: germline.
Comment: Variant summary: SBF1 c.4772C>T (p.Pro1591Leu) results in a non-conservative amino acid change in the encoded protein sequence. Algorithms developed to predict the effect of missense changes on protein structure and function all suggest that this variant is likely to be disruptive. The variant was absent in 249210 control chromosomes. The available data on variant occurrences in the general population are insufficient to allow any conclusion about variant significance. To our knowledge, no occurrence of c.4772C>T in individuals affected with SBF1-related conditions and no experimental evidence demonstrating its impact on protein function have been reported. No submitters have cited clinical-significance assessments for this variant to ClinVar. Based on the evidence outlined above, the variant was classified as uncertain significance.